The following is an entry in ClinVar:

ClinVar aggregate classification (germline): Uncertain significance (1 of 4 stars; one submission).

Conditions:
Vici syndrome (VICIS). Identifiers: Orphanet 1493, MedGen C1855772, MONDO:0009452, OMIM 242840.

Allele frequency attached by ClinVar (database versions not stated): TOPMed 0.00001; ExAC 0.00002; gnomAD 0.00002; gnomAD exomes 0.00002 and 0.00008.
gnomAD v4.1: 112 of 1,614,006 alleles (0.0069%); highest among the groups gnomAD compares: Non-Finnish European, 0.0094%; no homozygotes.

Submission:

Labcorp Genetics (formerly Invitae), Labcorp
Classification: Uncertain significance for Vici syndrome. Last evaluated: 2021-08-31. Review status: criteria provided, single submitter. Criteria: Invitae Variant Classification Sherloc (09022015). Collection method: clinical testing. Allele origin: germline.
Comment: This sequence change replaces glycine with cysteine at codon 1563 of the EPG5 protein (p.Gly1563Cys). The glycine residue is moderately conserved and there is a large physicochemical difference between glycine and cysteine. This variant is present in population databases (rs751554863, ExAC 0.004%). This variant has not been reported in the literature in individuals affected with EPG5-related conditions. Algorithms developed to predict the effect of missense changes on protein structure and function are either unavailable or do not agree on the potential impact of this missense change (SIFT: "Tolerated"; PolyPhen-2: "Possibly Damaging"; Align-GVGD: "Class C0"). In summary, the available evidence is currently insufficient to determine the role of this variant in disease. Therefore, it has been classified as a Variant of Uncertain Significance.

NM_020964.3(EPG5):c.4687G>T (p.Gly1563Cys)

Gene: EPG5 (ectopic P-granules 5 autophagy tethering factor; minus strand). Cytogenetic location: 18q12.3.
Variant type: single nucleotide variant.
Coding change: c.4687G>T on transcript NM_020964.3 (MANE Select); coding-DNA position 4687, G replaced by T.
Protein change: p.Gly1563Cys; replaces glycine 1563 with cysteine.
Molecular consequence: missense variant.
Genome position (GRCh38, 1-based): chr18:45,899,526, C>A on the plus strand (G>T on the coding strand, the complement: EPG5 is on the minus strand). VCF-style: chr18-45899526-C-A. GRCh37 (hg19) VCF-style: chr18-43479491-C-A.
Other names: c.4687G>T, p.Gly1563Cys (LRG_1234t1); short protein forms G1563C.
Identifiers: ClinVar variation 577758 (VCV000577758.9), dbSNP rs751554863, ClinGen allele CA8948773.